The following is an entry in ClinVar:

ClinVar aggregate classification (germline): Uncertain significance (0 of 4 stars; one submission).

Conditions:
Prostate cancer. Also called: Malignant tumor of prostate. Identifiers: Orphanet 1331, MedGen C0376358, MONDO:0008315, HP:0012125.

Submission:

Science for Life laboratory,  Karolinska Institutet
Classification: Uncertain significance for Malignant tumor of prostate. Review status: no assertion criteria provided. Collection method: not provided. Allele origin: somatic.
Comment: TumorID:SWE-17
ClinVar note: Converted during submission from Unknown to Uncertain significance.

NM_004385.5(VCAN):c.4616C>A (p.Pro1539His)

Genes: VCAN (versican; plus strand), VCAN-AS1 (VCAN antisense RNA 1; minus strand). Cytogenetic location: 5q14.3.
Variant type: single nucleotide variant.
Coding change: c.4616C>A on transcript NM_004385.5 (MANE Select); coding-DNA position 4616, C replaced by A.
Protein change: p.Pro1539His; replaces proline 1539 with histidine.
Molecular consequence: missense variant. On other transcripts: intron variant (2).
Genome position (GRCh38, 1-based): chr5:83,537,619, C>A. VCF-style: chr5-83537619-C-A. GRCh37 (hg19) VCF-style: chr5-82833438-C-A.
Other names: c.1655C>A, p.Pro552His (NM_001164097.2); c.4004-7918C>A (NM_001164098.2); c.1043-7918C>A (NM_001126336.3); short protein forms P1539H, P552H.
Identifiers: ClinVar variation 161543 (VCV000161543.2), dbSNP rs193920883, ClinGen allele CA174302.